The following is an entry in ClinVar:

NM_003128.3(SPTBN1):c.3854_3855del (p.Gln1285fs)

Gene: SPTBN1 (spectrin beta, non-erythrocytic 1; plus strand). Cytogenetic location: 2p16.2.
Variant type: Deletion.
Coding change: c.3854_3855del on transcript NM_003128.3 (MANE Select); coding-DNA positions 3854 to 3855, 2 bases deleted (AA; older notation c.3854_3855delAA).
Protein change: p.Gln1285fs; shifts the reading frame from glutamine 1285.
Molecular consequence: frameshift variant.
Genome position (GRCh38, 1-based): chr2:54,637,799-54,637,800, AA deleted. VCF-style (leftmost placement, unchanged base first): chr2-54637798-CAA-C. GRCh37 (hg19) VCF-style: chr2-54864935-CAA-C.
Other names: c.3815_3816del, p.Gln1272fs (NM_178313.3); short protein forms Q1272fs, Q1285fs.
Identifiers: ClinVar variation 4819107 (VCV004819107.1).

ClinVar aggregate classification (germline): Pathogenic (1 of 4 stars; one submission).

Conditions:
Developmental delay, impaired speech, and behavioral abnormalities. Identifiers: MedGen C5561957, MONDO:0859178, OMIM 619475.

Submission:

Institute of Human Genetics, University of Leipzig Medical Center
Classification: Pathogenic for Developmental delay, impaired speech, and behavioral abnormalities. Last evaluated: 2026-01-22. Review status: criteria provided, single submitter. Criteria: ACMG Guidelines, 2015. Collection method: clinical testing. Allele origin: unknown. Inheritance: Autosomal dominant inheritance. Affected: yes.
Comment: Criteria applied: PVS1,PM2